The following is an entry in ClinVar:

ClinVar aggregate classification (germline): Likely benign (1 of 4 stars; one submission).

gnomAD v4.1: 683 of 1,530,450 alleles (0.045%); highest among the groups gnomAD compares: Middle Eastern, 0.033%; 1 homozygote.

Submission:

CeGaT Center for Human Genetics Tuebingen
Classification: Likely benign. Last evaluated: 2024-10-01. Review status: criteria provided, single submitter. Criteria: CeGaT Center For Human Genetics Tuebingen Variant Classification Criteria Version 2. Collection method: clinical testing. Allele origin: germline. Affected: yes. Observed: 1 variant allele.
Comment: RBFOX1: BP4, BP7, BS1

NM_001415887.1(RBFOX1):c.438C>T (p.Ser146=)

Gene: RBFOX1 (RNA binding fox-1 homolog 1; plus strand). Cytogenetic location: 16p13.3.
Variant type: single nucleotide variant.
Coding change: c.438C>T on transcript NM_001415887.1; coding-DNA position 438, C replaced by T.
Protein change: p.Ser146=; no amino-acid change (serine 146 retained).
Molecular consequence: synonymous variant.
Genome position (GRCh38, 1-based): chr16:5,598,961, C>T. VCF-style: chr16-5598961-C-T. GRCh37 (hg19) VCF-style: chr16-5648962-C-T.
Other names: c.438C>T, p.Ser146= (NM_001415888.1).
Identifiers: ClinVar variation 3388339 (VCV003388339.14).